The following is an entry in ClinVar:

ClinVar aggregate classification (germline): Uncertain significance (1 of 4 stars; one submission).

Allele frequency attached by ClinVar (database versions not stated): gnomAD exomes below 0.00001; TOPMed below 0.00001; gnomAD 0.00003.
gnomAD v4.1: 6 of 1,613,700 alleles (0.00037%); highest among the groups gnomAD compares: African/African-American, 0.008%; no homozygotes.

Submission:

Labcorp Genetics (formerly Invitae), Labcorp
Classification: Uncertain significance. Last evaluated: 2024-11-18. Review status: criteria provided, single submitter. Criteria: Invitae Variant Classification Sherloc (09022015). Collection method: clinical testing. Allele origin: germline.
Comment: This sequence change replaces glutamine, which is neutral and polar, with arginine, which is basic and polar, at codon 697 of the KIAA1549 protein (p.Gln697Arg). This variant is present in population databases (no rsID available, gnomAD 0.008%). This variant has not been reported in the literature in individuals affected with KIAA1549-related conditions. ClinVar contains an entry for this variant (Variation ID: 1405039). An algorithm developed to predict the effect of missense changes on protein structure and function outputs the following: PolyPhen-2: "Benign". The arginine amino acid residue is found in multiple mammalian species, which suggests that this missense change does not adversely affect protein function. In summary, the available evidence is currently insufficient to determine the role of this variant in disease. Therefore, it has been classified as a Variant of Uncertain Significance.

NM_001164665.2(KIAA1549):c.2090A>G (p.Gln697Arg)

Gene: KIAA1549 (KIAA1549; minus strand). Cytogenetic location: 7q34.
Variant type: single nucleotide variant.
Coding change: c.2090A>G on transcript NM_001164665.2 (MANE Select); coding-DNA position 2090, A replaced by G.
Protein change: p.Gln697Arg; replaces glutamine 697 with arginine.
Molecular consequence: missense variant.
Genome position (GRCh38, 1-based): chr7:138,917,536, T>C on the plus strand (A>G on the coding strand, the complement: KIAA1549 is on the minus strand). VCF-style: chr7-138917536-T-C. GRCh37 (hg19) VCF-style: chr7-138602282-T-C.
Other names: c.2090A>G, p.Gln697Arg (NM_020910.3); short protein forms Q697R.
Identifiers: ClinVar variation 1405039 (VCV001405039.8), dbSNP rs1207692305, ClinGen allele CA369394310.